The following is an entry in ClinVar:

ClinVar aggregate classification (germline): Conflicting classifications of pathogenicity. Review status: criteria provided, conflicting classifications (1 of 4 stars). 2 submissions from 2 submitters: Likely pathogenic (1); Uncertain significance (1). Last evaluated 2024-05-28.

Conditions:
Charcot-Marie-Tooth disease axonal type 2T. Identifiers: Orphanet 443950, MedGen C4015635, OMIM 617017, MONDO:0014866.

Submissions (2):

Department of Neurology, Shenzhen Hospital, Southern Medical University
Classification: Likely pathogenic for Charcot-Marie-Tooth disease axonal type 2T. Last evaluated: 2024-05-28. Review status: criteria provided, single submitter. Criteria: ACMG Guidelines, 2015. Collection method: provider interpretation. Allele origin: inherited. Inheritance: Autosomal recessive inheritance. Affected: yes. Observed: 1 compound heterozygote.
Comment: This variant was not found in gnomAD database and was predicted to be pathogenic by the SIFT and CADD software. The variant substitution occurred at an evolutionary highly conserved amino acid residue. This variant was confirmed in trans with a likely pathogenic variant c.238T>C(p.R80C) in MME among a Chinese late onset axonal neuropathy family. Sanger sequencing confirmed the co-segregation of the variant with the disease phenotype in the family.According to the ACMG standards and guidelines, this variant were classified as likely pathogenic

Labcorp Genetics (formerly Invitae), Labcorp
Classification: Uncertain significance. Last evaluated: 2021-12-24. Review status: criteria provided, single submitter. Criteria: Invitae Variant Classification Sherloc (09022015). Collection method: clinical testing. Allele origin: germline.
Comment: Algorithms developed to predict the effect of missense changes on protein structure and function are either unavailable or do not agree on the potential impact of this missense change (SIFT: "Deleterious"; PolyPhen-2: "Possibly Damaging"; Align-GVGD: "Class C0"). In summary, the available evidence is currently insufficient to determine the role of this variant in disease. Therefore, it has been classified as a Variant of Uncertain Significance. Algorithms developed to predict the effect of sequence changes on RNA splicing suggest that this variant may create or strengthen a splice site. This variant has not been reported in the literature in individuals affected with MME-related conditions. This variant is not present in population databases (gnomAD no frequency). This sequence change replaces aspartic acid, which is acidic and polar, with glutamic acid, which is acidic and polar, at codon 591 of the MME protein (p.Asp591Glu).

NM_007289.4(MME):c.1773T>A (p.Asp591Glu)

Gene: MME (membrane metalloendopeptidase; plus strand). Cytogenetic location: 3q25.2.
Variant type: single nucleotide variant.
Coding change: c.1773T>A on transcript NM_007289.4 (MANE Select); coding-DNA position 1773, T replaced by A.
Protein change: p.Asp591Glu; replaces aspartic acid 591 with glutamic acid.
Molecular consequence: missense variant.
Genome position (GRCh38, 1-based): chr3:155,167,014, T>A. VCF-style: chr3-155167014-T-A. GRCh37 (hg19) VCF-style: chr3-154884803-T-A.
Other names: c.1773T>A, p.Asp591Glu (NM_000902.5, NM_001354642.2, NM_001354643.1 and 2 more transcripts); short protein forms D591E.
Identifiers: ClinVar variation 1994799 (VCV001994799.6), dbSNP rs2473156355, ClinGen allele CA355218333.